The following is an entry in ClinVar:

NM_001386140.1(MTTP):c.2260C>T (p.Gln754Ter)

Gene: MTTP (microsomal triglyceride transfer protein; plus strand). Cytogenetic location: 4q23.
Variant type: single nucleotide variant.
Coding change: c.2260C>T on transcript NM_001386140.1 (MANE Select); coding-DNA position 2260, C replaced by T.
Protein change: p.Gln754Ter; replaces glutamine 754 with a stop codon.
Molecular consequence: nonsense.
Genome position (GRCh38, 1-based): chr4:99,619,016, C>T. VCF-style: chr4-99619016-C-T. GRCh37 (hg19) VCF-style: chr4-100540173-C-T.
Other names: c.2260C>T, p.Gln754Ter (NM_000253.4); c.2011C>T, p.Gln671Ter (NM_001300785.2); short protein forms Q671*, Q754*.
Identifiers: ClinVar variation 983777 (VCV000983777.3), dbSNP rs1726166189, ClinGen allele CA357518242.

ClinVar aggregate classification (germline): Likely pathogenic (1 of 4 stars; one submission).

Conditions:
Abetalipoproteinaemia (ABL). Also called: Abetalipoproteinemia; Abetalipoproteinemia neuropathy; Apolipoprotein B deficiency; Congenital betalipoprotein deficiency syndrome; MTP DEFICIENCY. Identifiers: Orphanet 14, MedGen C0000744, MONDO:0008692, OMIM 200100, HP:0008181.

Submission:

Myriad Genetics, Inc.
Classification: Likely pathogenic for Abetalipoproteinaemia. Last evaluated: 2019-12-22. Review status: criteria provided, single submitter. Criteria: Myriad Women's Health Autosomal Recessive and X-Linked Classification Criteria (2019). Collection method: clinical testing. Allele origin: unknown.
Comment: NM_000253.2(MTTP):c.2260C>T(Q754*) is expected to be pathogenic in the context of abetalipoproteinemia. This variant is predicted to lead to an abnormal or absent protein product due to the creation of a premature termination codon in MTTP, a gene where loss-of-function variants are known to be pathogenic. Please note: this variant was assessed in the context of healthy population screening.